The following is an entry in ClinVar:

NM_001244710.2(GFPT1):c.134G>A (p.Gly45Asp)

Gene: GFPT1 (glutamine--fructose-6-phosphate transaminase 1; minus strand). Cytogenetic location: 2p13.3.
Variant type: single nucleotide variant.
Coding change: c.134G>A on transcript NM_001244710.2 (MANE Select); coding-DNA position 134, G replaced by A.
Protein change: p.Gly45Asp; replaces glycine 45 with aspartic acid.
Molecular consequence: missense variant.
Genome position (GRCh38, 1-based): chr2:69,370,090, C>T on the plus strand (G>A on the coding strand, the complement: GFPT1 is on the minus strand). VCF-style: chr2-69370090-C-T. GRCh37 (hg19) VCF-style: chr2-69597222-C-T.
Other names: c.134G>A, p.Gly45Asp (NM_002056.4); short protein forms G45D.
Identifiers: ClinVar variation 2671795 (VCV002671795.1), dbSNP rs2466152893, ClinGen allele CA347134906.
Genomic context (GRCh38, chr2:69,370,090, plus strand): 5'-TTTCCTTTCTTCTTAATAAGCTGGATTTTGCAGGCATTGGCTTCCCAATCTTTATCATTG[C>T]CTCCATCAAATCCCACACCTAAACCATCATGAGGTAAAAAAGCAAAATTTAGAAACTGGC-3'
Protein context (NP_001231639.1, residues 35-55): YDSAGVGFDG[Gly45Asp]NDKDWEANAC

ClinVar aggregate classification (germline): Uncertain significance (1 of 4 stars; one submission).

Conditions:
Congenital myasthenic syndrome 12 (CMS12). Also called: MYASTHENIC SYNDROME, CONGENITAL, WITH TUBULAR AGGREGATES 1; Myasthenia, congenital, 12, with tubular aggregates. Identifiers: Orphanet 353327, Orphanet 590, MedGen C3552335, MONDO:0012518, OMIM 610542.

Submission:

Neuberg Centre For Genomic Medicine, NCGM
Classification: Uncertain significance for Congenital myasthenic syndrome 12. Last evaluated: 2023-03-01. Review status: criteria provided, single submitter. Criteria: ACMG Guidelines, 2015. Collection method: clinical testing. Allele origin: germline. Inheritance: Autosomal recessive inheritance. Affected: yes.
Comment: The missense c.134G>A (p.Gly45Asp) variant in GFPT1 gene has not been reported previously as a pathogenic variant nor as a benign variant, to our knowledge. The p.Gly45Asp variant is novel (not in any individuals) in gnomAD Exomes and 1000 Genomes. This variant has not been reported to the ClinVar database. The amino acid change p.Gly45Asp in GFPT1 is predicted as conserved by GERP++ and PhyloP across 100 vertebrates. The amino acid Gly at position 45 is changed to a Asp changing protein sequence and it might alter its composition and physico-chemical properties. For these reasons, this variant has been classified as Variant of Uncertain Significance (VUS).